The following is an entry in ClinVar:

ClinVar aggregate classification (germline): Uncertain significance (1 of 4 stars; one submission).

Conditions:
Charcot-Marie-Tooth disease axonal type 2O. Also called: CHARCOT-MARIE-TOOTH NEUROPATHY, AXONAL, TYPE 2O; CHARCOT-MARIE-TOOTH DISEASE, AXONAL, AUTOSOMAL DOMINANT, TYPE 2O; Charcot-Marie-Tooth Neuropathy Type 2O; Charcot-Marie-Tooth disease, axonal, type 20. Identifiers: Orphanet 284232, MedGen C3280220, MONDO:0013644, OMIM 614228.

Submission:

Labcorp Genetics (formerly Invitae), Labcorp
Classification: Uncertain significance for Charcot-Marie-Tooth disease axonal type 2O. Last evaluated: 2025-08-02. Review status: criteria provided, single submitter. Criteria: Invitae Variant Classification Sherloc (09022015). Collection method: clinical testing. Allele origin: germline.
Comment: This sequence change replaces glutamic acid, which is acidic and polar, with lysine, which is basic and polar, at codon 1700 of the DYNC1H1 protein (p.Glu1700Lys). This variant is not present in population databases (gnomAD no frequency). This variant has not been reported in the literature in individuals affected with DYNC1H1-related conditions. Invitae Evidence Modeling of protein sequence and biophysical properties (such as structural, functional, and spatial information, amino acid conservation, physicochemical variation, residue mobility, and thermodynamic stability) has been performed for this missense variant. However, the output from this modeling did not meet the statistical confidence thresholds required to predict the impact of this variant on DYNC1H1 protein function. In summary, the available evidence is currently insufficient to determine the role of this variant in disease. Therefore, it has been classified as a Variant of Uncertain Significance.

NM_001376.5(DYNC1H1):c.5098G>A (p.Glu1700Lys)

Gene: DYNC1H1 (dynein cytoplasmic 1 heavy chain 1; plus strand). Cytogenetic location: 14q32.31.
Variant type: single nucleotide variant.
Coding change: c.5098G>A on transcript NM_001376.5 (MANE Select); coding-DNA position 5098, G replaced by A.
Protein change: p.Glu1700Lys; replaces glutamic acid 1700 with lysine.
Molecular consequence: missense variant.
Genome position (GRCh38, 1-based): chr14:102,004,810, G>A. VCF-style: chr14-102004810-G-A. GRCh37 (hg19) VCF-style: chr14-102471147-G-A.
Other names: short protein forms E1700K.
Identifiers: ClinVar variation 4750047 (VCV004750047.1).